The following is an entry in ClinVar:

NM_015978.3(TNNI3K):c.1999C>T (p.His667Tyr)

Genes: FPGT-TNNI3K (FPGT-TNNI3K readthrough; plus strand), TNNI3K (TNNI3 interacting kinase; plus strand). Cytogenetic location: 1p31.1.
Variant type: single nucleotide variant.
Coding change: c.1999C>T on transcript NM_015978.3 (MANE Select); coding-DNA position 1999, C replaced by T.
Protein change: p.His667Tyr; replaces histidine 667 with tyrosine.
Molecular consequence: missense variant.
Genome position (GRCh38, 1-based): chr1:74,439,610, C>T. VCF-style: chr1-74439610-C-T. GRCh37 (hg19) VCF-style: chr1-74905294-C-T.
Other names: c.2302C>T, p.His768Tyr (NM_001112808.3, NM_001199327.2); short protein forms H667Y, H768Y.
Identifiers: ClinVar variation 1930126 (VCV001930126.5), dbSNP rs1414923990, ClinGen allele CA340790040.
Genomic context (GRCh38, chr1:74,439,610, plus strand): 5'-GATGTCTTCAGCTATGCTCTGTGTCTGTGGGAAATTCTCACTGGCGAAATTCCATTCGCT[C>T]ATCTCAAGCCAGGTAAGACACACTGCAATTGAAGTTTTCCTGTTTTACAGAGTTCACTGG-3'
Protein context (NP_057062.1, residues 657-677): EILTGEIPFA[His667Tyr]LKPAAAAADM

ClinVar aggregate classification (germline): Uncertain significance (1 of 4 stars; one submission).

Allele frequency attached by ClinVar (database versions not stated): gnomAD exomes below 0.00001.
gnomAD v4.1: 2 of 1,613,392 alleles (0.00012%); highest among the groups gnomAD compares: Middle Eastern, 0.033%; no homozygotes.

Submission:

Labcorp Genetics (formerly Invitae), Labcorp
Classification: Uncertain significance. Last evaluated: 2024-10-22. Review status: criteria provided, single submitter. Criteria: Invitae Variant Classification Sherloc (09022015). Collection method: clinical testing. Allele origin: germline.
Comment: This sequence change replaces histidine, which is basic and polar, with tyrosine, which is neutral and polar, at codon 667 of the TNNI3K protein (p.His667Tyr). This variant is not present in population databases (gnomAD no frequency). This variant has not been reported in the literature in individuals affected with TNNI3K-related conditions. ClinVar contains an entry for this variant (Variation ID: 1930126). An algorithm developed to predict the effect of missense changes on protein structure and function (PolyPhen-2) suggests that this variant is likely to be disruptive. In summary, the available evidence is currently insufficient to determine the role of this variant in disease. Therefore, it has been classified as a Variant of Uncertain Significance.